The following is an entry in ClinVar:

NM_004168.4(SDHA):c.1311C>T (p.Ala437=)

Gene: SDHA (succinate dehydrogenase complex flavoprotein subunit A; plus strand). Cytogenetic location: 5p15.33.
Variant type: single nucleotide variant.
Coding change: c.1311C>T on transcript NM_004168.4 (MANE Select); coding-DNA position 1311, C replaced by T.
Protein change: p.Ala437=; no amino-acid change (alanine 437 retained).
Molecular consequence: synonymous variant.
Genome position (GRCh38, 1-based): chr5:236,478, C>T. VCF-style: chr5-236478-C-T. GRCh37 (hg19) VCF-style: chr5-236593-C-T.
Other names: c.1167C>T, p.Ala389= (NM_001294332.2); c.1311C>T, p.Ala437= (NM_001330758.2).
Identifiers: ClinVar variation 486364 (VCV000486364.20), dbSNP rs377506772, ClinGen allele CA3173192.
Genomic context (GRCh38, chr5:236,478, plus strand): 5'-CTTTCCACAGGTCCTGAGGCACGTGAATGGCCAGGATCAGATTGTGCCCGGCCTGTACGC[C>T]TGTGGGGAGGCCGCCTGTGCCTCGGTACATGGTGCCAACCGCCTCGGGGCAAACTCGCTC-3'
Protein context (NP_004159.2, residues 427-447): GQDQIVPGLY[Ala437=]CGEAACASVH

ClinVar aggregate classification (germline): Benign/Likely benign. Review status: criteria provided, multiple submitters, no conflicts (2 of 4 stars). 5 submissions from 5 submitters: Benign (1); Likely benign (3). 1 of the submissions does not count toward it. Last evaluated 2026-01-11.

Conditions:
Pheochromocytoma/paraganglioma syndrome 5. Also called: Paragangliomas 5; SDHA-Related Hereditary Paraganglioma-Pheochromocytoma Syndrome. Identifiers: Orphanet 29072, MedGen C3279992, MONDO:0013602, OMIM 614165.
Mitochondrial complex II deficiency, nuclear type 1. Also called: SUCCINATE CoQ REDUCTASE DEFICIENCY. Identifiers: Orphanet 3208, MedGen C5700310, MONDO:0100294, OMIM 252011.
Hereditary cancer-predisposing syndrome. Also called: Tumor predisposition; Hereditary Cancer Syndrome; Neoplastic Syndromes, Hereditary; Hereditary neoplastic syndrome. Identifiers: Orphanet 140162, MedGen C0027672, MeSH D009386, MONDO:0015356.
SDHA-related disorder. Also called: SDHA-related condition; SDHA-related disorders.

Allele frequency attached by ClinVar (database versions not stated): TOPMed 0.00003; gnomAD 0.00004; gnomAD exomes 0.00005 and 0.00007; ExAC 0.00007; ESP Exome Variant Server 0.00008; 1000 Genomes Project 30x 0.00016; 1000 Genomes Project 0.00020.
gnomAD v4.1: 100 of 1,613,926 alleles (0.0062%); highest among the groups gnomAD compares: Non-Finnish European, 0.0081%; no homozygotes.

Submissions (5):

Labcorp Genetics (formerly Invitae), Labcorp
Classification: Likely benign for Pheochromocytoma/paraganglioma syndrome 5; Mitochondrial complex II deficiency, nuclear type 1. Last evaluated: 2026-01-11. Review status: criteria provided, single submitter. Criteria: Invitae Variant Classification Sherloc (09022015). Collection method: clinical testing. Allele origin: germline.

Myriad Genetics, Inc.
Classification: Benign for Pheochromocytoma/paraganglioma syndrome 5. Last evaluated: 2025-03-10. Review status: criteria provided, single submitter. Criteria: Myriad Autosomal Dominant, Autosomal Recessive and X-Linked Classification Criteria (2023). Collection method: clinical testing. Allele origin: unknown.
Comment: This variant is considered benign. This variant is a silent/synonymous amino acid change and it is not expected to impact splicing.

Blueprint Genetics
Classification: Likely benign. Last evaluated: 2023-09-20. Review status: criteria provided, single submitter. Criteria: ACMG Guidelines, 2015. Collection method: clinical testing. Allele origin: germline.

Ambry Genetics
Classification: Likely benign for Hereditary cancer-predisposing syndrome. Last evaluated: 2016-06-23. Review status: criteria provided, single submitter. Criteria: Ambry Variant Classification Scheme 2023. Collection method: clinical testing. Allele origin: germline.

PreventionGenetics, part of Exact Sciences
Classification: Likely benign for SDHA-related condition. Last evaluated: 2022-01-06. Review status: no assertion criteria provided. Collection method: clinical testing. Allele origin: germline. Not counted in ClinVar's aggregate classification.
Comment: This variant is classified as likely benign based on ACMG/AMP sequence variant interpretation guidelines (Richards et al. 2015 PMID: 25741868, with internal and published modifications).